The following is an entry in ClinVar:

ClinVar aggregate classification (germline): Uncertain significance (1 of 4 stars; one submission).

Conditions:
Cognitive impairment with or without cerebellar ataxia (CIAT). Identifiers: MedGen C3280415, MONDO:0013680, OMIM 614306.

Submission:

Institute of Human Genetics, University of Leipzig Medical Center
Classification: Uncertain significance for Cognitive impairment with or without cerebellar ataxia. Last evaluated: 2022-04-29. Review status: criteria provided, single submitter. Criteria: ACMG Guidelines, 2015. Collection method: clinical testing. Allele origin: unknown. Affected: yes.
Comment: _x000D_ Criteria applied: PM1, PM2_SUP, PP2, PP3

NM_001330260.2(SCN8A):c.3964G>C (p.Gly1322Arg)

Gene: SCN8A (sodium voltage-gated channel alpha subunit 8; plus strand). Cytogenetic location: 12q13.13.
Variant type: single nucleotide variant.
Coding change: c.3964G>C on transcript NM_001330260.2 (MANE Select); coding-DNA position 3964, G replaced by C.
Protein change: p.Gly1322Arg; replaces glycine 1322 with arginine.
Molecular consequence: missense variant.
Genome position (GRCh38, 1-based): chr12:51,786,563, G>C. VCF-style: chr12-51786563-G-C. GRCh37 (hg19) VCF-style: chr12-52180347-G-C.
Other names: c.3841G>C, p.Gly1281Arg (NM_001177984.3, NM_001369788.1); c.3964G>C, p.Gly1322Arg (NM_014191.4); short protein forms G1281R, G1322R.
Identifiers: ClinVar variation 1691849 (VCV001691849.1), dbSNP rs2138904004, ClinGen allele CA384904441.